The following is an entry in ClinVar:

ClinVar aggregate classification (germline): Pathogenic (3 of 4 stars; one submission).

Conditions:
Breast-ovarian cancer, familial, susceptibility to, 2 (BROVCA2). Also called: BRCA2 Hereditary Breast and Ovarian Cancer. Identifiers: Orphanet 145, MedGen C2675520, MONDO:0012933, OMIM 612555. Disease mechanism: loss of function.

Submission:

Evidence-based Network for the Interpretation of Germline Mutant Alleles (ENIGMA)
Classification: Pathogenic for Breast-ovarian cancer, familial, susceptibility to, 2. Last evaluated: 2017-12-15. Review status: reviewed by expert panel. Criteria: ENIGMA BRCA1/2 Classification Criteria (2017-06-29). Collection method: curation. Allele origin: germline. Study: ENIGMA.
Comment: Variant allele predicted to encode a truncated non-functional protein.

NM_000059.4(BRCA2):c.926C>G (p.Ser309Ter)

Gene: BRCA2 (BRCA2 DNA repair associated; plus strand). Cytogenetic location: 13q13.1.
Variant type: single nucleotide variant.
Coding change: c.926C>G on transcript NM_000059.4 (MANE Select); coding-DNA position 926, C replaced by G.
Protein change: p.Ser309Ter; replaces serine 309 with a stop codon.
Molecular consequence: nonsense.
Genome position (GRCh38, 1-based): chr13:32,332,404, C>G. VCF-style: chr13-32332404-C-G. GRCh37 (hg19) VCF-style: chr13-32906541-C-G.
Other names: short protein forms S309*.
Identifiers: ClinVar variation 548343 (VCV000548343.1), dbSNP rs886038059, ClinGen allele CA387760758.